The following is an entry in ClinVar:

NM_000179.3(MSH6):c.-34C>T

Gene: MSH6 (mutS homolog 6; plus strand). Cytogenetic location: 2p16.3.
Variant type: single nucleotide variant.
Coding change: c.-34C>T on transcript NM_000179.3 (MANE Select); 34 bases upstream of the start codon, C replaced by T.
Molecular consequence: 5 prime UTR variant.
Genome position (GRCh38, 1-based): chr2:47,783,200, C>T. VCF-style: chr2-47783200-C-T. GRCh37 (hg19) VCF-style: chr2-48010339-C-T.
Other names: c.-34C>T (NM_001281492.2); c.-770C>T (NM_001281493.2).
Identifiers: ClinVar variation 512429 (VCV000512429.1), dbSNP rs771435695, ClinGen allele CA071075.

ClinVar aggregate classification (germline): Likely benign (1 of 4 stars; one submission).

Submission:

GeneDx
Classification: Likely benign. Last evaluated: 2017-09-28. Review status: criteria provided, single submitter. Criteria: GeneDx Variant Classification (06012015). Collection method: clinical testing. Allele origin: germline. Affected: yes.
Comment: This variant is considered likely benign or benign based on one or more of the following criteria: it is a conservative change, it occurs at a poorly conserved position in the protein, it is predicted to be benign by multiple in silico algorithms, and/or has population frequency not consistent with disease.